The following is an entry in ClinVar:

ClinVar aggregate classification (germline): Likely pathogenic (1 of 4 stars; one submission).

Conditions:
Developmental delay with variable intellectual impairment and behavioral abnormalities. Identifiers: MedGen C5193092, MONDO:0032745, OMIM 618430.

Submission:

Greenwood Genetic Center Diagnostic Laboratories, Greenwood Genetic Center
Classification: Likely pathogenic for Developmental delay with variable intellectual impairment and behavioral abnormalities. Last evaluated: 2025-06-11. Review status: criteria provided, single submitter. Criteria: ACMG Guidelines, 2015. Collection method: clinical testing. Allele origin: germline. Affected: yes.
Comment: PVS1, PM2

NM_001378418.1(TCF20):c.3379C>T (p.Gln1127Ter)

Gene: TCF20 (transcription factor 20; minus strand). Cytogenetic location: 22q13.2.
Variant type: single nucleotide variant.
Coding change: c.3379C>T on transcript NM_001378418.1 (MANE Select); coding-DNA position 3379, C replaced by T.
Protein change: p.Gln1127Ter; replaces glutamine 1127 with a stop codon.
Molecular consequence: nonsense.
Genome position (GRCh38, 1-based): chr22:42,211,927, G>A on the plus strand (C>T on the coding strand, the complement: TCF20 is on the minus strand). VCF-style: chr22-42211927-G-A. GRCh37 (hg19) VCF-style: chr22-42607933-G-A.
Other names: c.3379C>T, p.Gln1127Ter (NM_005650.4, NM_181492.3); short protein forms Q1127*.
Identifiers: ClinVar variation 4538301 (VCV004538301.1).